The following is an entry in ClinVar:

ClinVar aggregate classification (germline): Conflicting classifications of pathogenicity. Review status: criteria provided, conflicting classifications (1 of 4 stars). 8 submissions from 8 submitters: Uncertain significance (7); Likely benign (1). Last evaluated 2025-11-21.

Conditions:
Hereditary cancer-predisposing syndrome. Also called: Hereditary neoplastic syndrome; Hereditary Cancer Syndrome; Neoplastic Syndromes, Hereditary; Tumor predisposition. Identifiers: Orphanet 140162, MedGen C0027672, MeSH D009386, MONDO:0015356.
Neurofibromatosis, type 2 (SWNV). Also called: SCHWANNOMATOSIS, VESTIBULAR; BILATERAL ACOUSTIC NEUROFIBROMATOSIS; NF2-Related Schwannomatosis. Identifiers: Orphanet 637, MedGen C0027832, MONDO:0007039, OMIM 101000. Disease mechanism: loss of function.

Allele frequency attached by ClinVar (database versions not stated): ExAC 0.00001; gnomAD exomes 0.00001; TOPMed 0.00001; gnomAD 0.00002 and 0.00003.
gnomAD v4.1: 25 of 1,614,042 alleles (0.0015%); highest among the groups gnomAD compares: East Asian, 0.0022%; no homozygotes.

Submissions (8):

Labcorp Genetics (formerly Invitae), Labcorp
Classification: Likely benign for Neurofibromatosis, type 2. Last evaluated: 2025-11-21. Review status: criteria provided, single submitter. Criteria: Invitae Variant Classification Sherloc (09022015). Collection method: clinical testing. Allele origin: germline.

Ambry Genetics
Classification: Uncertain significance for Hereditary cancer-predisposing syndrome. Last evaluated: 2025-07-18. Review status: criteria provided, single submitter. Criteria: Ambry Variant Classification Scheme 2023. Collection method: clinical testing. Allele origin: germline.
Comment: The p.D567N variant (also known as c.1699G>A), located in coding exon 15 of the NF2 gene, results from a G to A substitution at nucleotide position 1699. The aspartic acid at codon 567 is replaced by asparagine, an amino acid with highly similar properties. This amino acid position is not well conserved in available vertebrate species. In addition, this alteration is predicted to be tolerated by in silico analysis. Based on the available evidence, the clinical significance of this variant remains unclear.

All of Us Research Program, National Institutes of Health
Classification: Uncertain significance for Neurofibromatosis, type 2. Last evaluated: 2024-08-06. Review status: criteria provided, single submitter. Criteria: ACMG Guidelines, 2015. Collection method: clinical testing. Allele origin: germline. Inheritance: Autosomal dominant inheritance. Observed: 8 variant alleles, 8 heterozygotes.
Comment: This missense variant replaces aspartic acid with asparagine at codon 567 of the NF2 protein. Computational prediction suggests that this variant may not impact protein structure and function (internally defined REVEL score threshold <= 0.5, PMID: 27666373). To our knowledge, functional studies have not been reported for this variant. This variant has not been reported in individuals affected with hereditary cancer in the literature. This variant has been identified in 4/282502 chromosomes in the general population by the Genome Aggregation Database (gnomAD). The available evidence is insufficient to determine the role of this variant in disease conclusively. Therefore, this variant is classified as a Variant of Uncertain Significance.

This study involves interpretation of variants in research participants for the purpose of population health screening. Participant phenotype was not available at the time of variant classification. Additional details can be found in publication PMID: 35346344, PMCID: PMC8962531

St. Jude Molecular Pathology, St. Jude Children's Research Hospital
Classification: Uncertain significance for Neurofibromatosis, type 2. Last evaluated: 2024-08-05. Review status: criteria provided, single submitter. Criteria: St. Jude Assertion Criteria 2020. Collection method: clinical testing. Allele origin: germline.
Comment: The NF2 c.1699G>A (p.Asp567Asn) missense variant has a maximum subpopulation frequency of 0.0040% in gnomAD v2.1.1. The in silico tool REVEL is inconclusive about a pathogenic or benign effect of this variant on protein function, and to our knowledge functional studies have not been performed. To our knowledge, this variant has not been reported in the literature in individuals with Neurofibromatosis type 2. In summary, the evidence currently available is insufficient to determine the clinical significance of this variant. It has therefore been classified as of uncertain significance.

Color Diagnostics, LLC DBA Color Health
Classification: Uncertain significance for Neurofibromatosis, type 2. Last evaluated: 2024-04-04. Review status: criteria provided, single submitter. Criteria: ACMG Guidelines, 2015. Collection method: clinical testing. Allele origin: germline.
Comment: This missense variant replaces aspartic acid with asparagine at codon 567 of the NF2 protein. Computational prediction suggests that this variant may not impact protein structure and function. To our knowledge, functional studies have not been reported for this variant. This variant has not been reported in individuals affected with hereditary cancer in the literature. This variant has been identified in 4/282502 chromosomes in the general population by the Genome Aggregation Database (gnomAD). The available evidence is insufficient to determine the role of this variant in disease conclusively. Therefore, this variant is classified as a Variant of Uncertain Significance.

GeneDx
Classification: Uncertain significance. Last evaluated: 2022-08-29. Review status: criteria provided, single submitter. Criteria: GeneDx Variant Classification Process June 2021. Collection method: clinical testing. Allele origin: germline. Affected: yes.
Comment: In silico analysis supports that this missense variant does not alter protein structure/function; Has not been previously published as pathogenic or benign to our knowledge; This variant is associated with the following publications: (PMID: 11756419)

Genome-Nilou Lab
Classification: Uncertain significance for Neurofibromatosis, type 2. Last evaluated: 2021-11-07. Review status: criteria provided, single submitter. Criteria: ACMG Guidelines, 2015. Collection method: clinical testing. Allele origin: germline. Affected: no.

Mendelics
Classification: Uncertain significance for Neurofibromatosis, type 2. Last evaluated: 2018-07-02. Review status: criteria provided, single submitter. Criteria: Mendelics Assertion Criteria 2017. Collection method: clinical testing. Allele origin: unknown.

NM_000268.4(NF2):c.1699G>A (p.Asp567Asn)

Gene: NF2 (NF2, moesin-ezrin-radixin like (MERLIN) tumor suppressor; plus strand). Cytogenetic location: 22q12.2.
Variant type: single nucleotide variant.
Coding change: c.1699G>A on transcript NM_000268.4 (MANE Select); coding-DNA position 1699, G replaced by A.
Protein change: p.Asp567Asn; replaces aspartic acid 567 with asparagine.
Molecular consequence: missense variant. On other transcripts: non-coding transcript variant (1), intron variant (1).
Genome position (GRCh38, 1-based): chr22:29,681,563, G>A. VCF-style: chr22-29681563-G-A. GRCh37 (hg19) VCF-style: chr22-30077552-G-A.
Other names: c.1699G>A, p.Asp567Asn (NM_016418.5, NM_181825.3, NM_181832.3); c.1573G>A, p.Asp525Asn (NM_181828.3); c.1576G>A, p.Asp526Asn (NM_181829.3); c.1450G>A, p.Asp484Asn (NM_181830.3, NM_181831.3); c.448-13189G>A (NM_181833.3); short protein forms D567N, D526N, D525N, D484N.
Identifiers: ClinVar variation 485981 (VCV000485981.21), dbSNP rs757586383, ClinGen allele CA032649.